The following is an entry in ClinVar:

NM_001267550.2(TTN):c.92179del (p.Glu30727fs)

Genes: TTN-AS1 (TTN antisense RNA 1; plus strand), TTN (titin; minus strand). Cytogenetic location: 2q31.2.
Variant type: Deletion.
Coding change: c.92179del on transcript NM_001267550.2 (MANE Select); coding-DNA position 92179, one base deleted (G; older notation c.92179delG).
Protein change: p.Glu30727fs; shifts the reading frame from glutamic acid 30727.
Molecular consequence: frameshift variant.
Genome position (GRCh38, 1-based): chr2:178,549,447, C deleted on the plus strand (G on the coding strand, the reverse complement: TTN is on the minus strand). VCF-style (leftmost placement, unchanged base first): chr2-178549446-TC-T. GRCh37 (hg19) VCF-style: chr2-179414173-TC-T.
Other names: c.87256del, p.Glu29086fs (NM_001256850.1); c.64984del, p.Glu21662fs (NM_003319.4); c.84475del, p.Glu28159fs (NM_133378.4); c.65359del, p.Glu21787fs (NM_133432.3); c.65560del, p.Glu21854fs (NM_133437.4); short protein forms E21662fs, E21787fs, E21854fs, E28159fs, E29086fs, E30727fs.
Identifiers: ClinVar variation 3755033 (VCV003755033.2).

ClinVar aggregate classification (germline): Likely pathogenic (1 of 4 stars; one submission).

Conditions:
Autosomal recessive limb-girdle muscular dystrophy type 2J (LGMDR10). Also called: Limb-girdle muscular dystrophy, type 2J; MUSCULAR DYSTROPHY, LIMB-GIRDLE, AUTOSOMAL RECESSIVE 10. Identifiers: Orphanet 140922, MedGen C1837342, MONDO:0012127, OMIM 608807.
Dilated cardiomyopathy 1G (CMD1G). Identifiers: Orphanet 154, MedGen C1858763, MONDO:0011400, OMIM 604145.

Submission:

Labcorp Genetics (formerly Invitae), Labcorp
Classification: Likely pathogenic for Dilated cardiomyopathy 1G; Autosomal recessive limb-girdle muscular dystrophy type 2J. Last evaluated: 2024-03-01. Review status: criteria provided, single submitter. Criteria: Invitae Variant Classification Sherloc (09022015). Collection method: clinical testing. Allele origin: germline.
Comment: This sequence change creates a premature translational stop signal (p.Glu30727Asnfs*5) in the TTN gene. While this is not anticipated to result in nonsense mediated decay, it is expected to create a truncated TTN protein. This variant is not present in population databases (gnomAD no frequency). This variant has not been reported in the literature in individuals affected with TTN-related conditions. This variant is located in the A band of TTN (PMID: 25589632). Truncating variants in this region are significantly overrepresented in patients affected with dilated cardiomyopathy (PMID: 25589632). Truncating variants in this region have also been reported in individuals affected with autosomal recessive centronuclear myopathy (PMID: 23975875). In summary, the currently available evidence indicates that the variant is pathogenic, but additional data are needed to prove that conclusively. Therefore, this variant has been classified as Likely Pathogenic.

Literature cited by the submitters: PubMed 25589632; PubMed 23975875.